The following is an entry in ClinVar:

NM_145290.4(ADGRA3):c.91G>A (p.Gly31Ser)

Gene: ADGRA3 (adhesion G protein-coupled receptor A3; minus strand). Cytogenetic location: 4p15.2.
Variant type: single nucleotide variant.
Coding change: c.91G>A on transcript NM_145290.4 (MANE Select); coding-DNA position 91, G replaced by A.
Protein change: p.Gly31Ser; replaces glycine 31 with serine.
Molecular consequence: missense variant.
Genome position (GRCh38, 1-based): chr4:22,515,694, C>T on the plus strand (G>A on the coding strand, the complement: ADGRA3 is on the minus strand). VCF-style: chr4-22515694-C-T. GRCh37 (hg19) VCF-style: chr4-22517317-C-T.
Other names: c.91G>A (NM_145290.2); short protein forms G31S.
Identifiers: ClinVar variation 1057600 (VCV001057600.8), dbSNP rs751553781, ClinGen allele CA94061041.

ClinVar aggregate classification (germline): Uncertain significance. Review status: criteria provided, multiple submitters, no conflicts (2 of 4 stars). 2 submissions from 2 submitters: Uncertain significance (2). Last evaluated 2025-06-16.

gnomAD v4.1: 33 of 1,091,644 alleles (0.003%); highest among the groups gnomAD compares: Non-Finnish European, 0.0035%; no homozygotes.

Submissions (2):

Ambry Genetics
Classification: Uncertain significance. Last evaluated: 2025-06-16. Review status: criteria provided, single submitter. Criteria: Ambry Variant Classification Scheme 2023. Collection method: clinical testing. Allele origin: germline.

Labcorp Genetics (formerly Invitae), Labcorp
Classification: Uncertain significance. Last evaluated: 2024-03-04. Review status: criteria provided, single submitter. Criteria: Invitae Variant Classification Sherloc (09022015). Collection method: clinical testing. Allele origin: germline.
Comment: This sequence change replaces glycine, which is neutral and non-polar, with serine, which is neutral and polar, at codon 31 of the ADGRA3 protein (p.Gly31Ser). The frequency data for this variant in the population databases is considered unreliable, as metrics indicate insufficient coverage at this position in the gnomAD database. This variant has not been reported in the literature in individuals affected with ADGRA3-related conditions. ClinVar contains an entry for this variant (Variation ID: 1057600). Algorithms developed to predict the effect of missense changes on protein structure and function output the following: SIFT: "Not Available"; PolyPhen-2: "Not Available"; Align-GVGD: "Not Available". The serine amino acid residue is found in multiple mammalian species, which suggests that this missense change does not adversely affect protein function. In summary, the available evidence is currently insufficient to determine the role of this variant in disease. Therefore, it has been classified as a Variant of Uncertain Significance.